The following is an entry in ClinVar:

NM_003079.5(SMARCE1):c.637C>T (p.Pro213Ser)

Gene: SMARCE1 (SWI/SNF related BAF chromatin remodeling complex subunit E1; minus strand). Cytogenetic location: 17q21.2.
Variant type: single nucleotide variant.
Coding change: c.637C>T on transcript NM_003079.5 (MANE Select); coding-DNA position 637, C replaced by T.
Protein change: p.Pro213Ser; replaces proline 213 with serine.
Molecular consequence: missense variant.
Genome position (GRCh38, 1-based): chr17:40,632,272, G>A on the plus strand (C>T on the coding strand, the complement: SMARCE1 is on the minus strand). VCF-style: chr17-40632272-G-A. GRCh37 (hg19) VCF-style: chr17-38788524-G-A.
Other names: short protein forms P213S.
Identifiers: ClinVar variation 2851601 (VCV002851601.3), dbSNP rs2508598393, ClinGen allele CA399364696.

ClinVar aggregate classification (germline): Uncertain significance (1 of 4 stars; one submission).

Conditions:
Familial meningioma. Also called: Meningioma, familial, susceptibility to. Identifiers: Orphanet 263662, MedGen C3551915, MONDO:0011789, OMIM 607174.

Submission:

Labcorp Genetics (formerly Invitae), Labcorp
Classification: Uncertain significance for Familial meningioma. Last evaluated: 2023-04-03. Review status: criteria provided, single submitter. Criteria: Invitae Variant Classification Sherloc (09022015). Collection method: clinical testing. Allele origin: germline.
Comment: This sequence change replaces proline, which is neutral and non-polar, with serine, which is neutral and polar, at codon 213 of the SMARCE1 protein (p.Pro213Ser). This variant is not present in population databases (gnomAD no frequency). This variant has not been reported in the literature in individuals affected with SMARCE1-related conditions. Advanced modeling of protein sequence and biophysical properties (such as structural, functional, and spatial information, amino acid conservation, physicochemical variation, residue mobility, and thermodynamic stability) performed at Invitae indicates that this missense variant is expected to disrupt SMARCE1 protein function. In summary, the available evidence is currently insufficient to determine the role of this variant in disease. Therefore, it has been classified as a Variant of Uncertain Significance.